The following is an entry in ClinVar:

NM_182943.3(PLOD2):c.1958C>G (p.Pro653Arg)

Gene: PLOD2 (procollagen-lysine,2-oxoglutarate 5-dioxygenase 2; minus strand). Cytogenetic location: 3q24.
Variant type: single nucleotide variant.
Coding change: c.1958C>G on transcript NM_182943.3 (MANE Select); coding-DNA position 1958, C replaced by G.
Protein change: p.Pro653Arg; replaces proline 653 with arginine.
Molecular consequence: missense variant.
Genome position (GRCh38, 1-based): chr3:146,071,314, G>C on the plus strand (C>G on the coding strand, the complement: PLOD2 is on the minus strand). VCF-style: chr3-146071314-G-C. GRCh37 (hg19) VCF-style: chr3-145789101-G-C.
Other names: c.1895C>G, p.Pro632Arg (NM_000935.3); short protein forms P632R, P653R.
Identifiers: ClinVar variation 1705607 (VCV001705607.8), dbSNP rs967744523, ClinGen allele CA84500173.

ClinVar aggregate classification (germline): Conflicting classifications of pathogenicity. Review status: criteria provided, conflicting classifications (1 of 4 stars). 3 submissions from 3 submitters: Pathogenic (1); Likely pathogenic (1); Uncertain significance (1). Last evaluated 2024-12-10.

Conditions:
Osteogenesis imperfecta (OI). Identifiers: Orphanet 666, MedGen C0029434, MeSH D010013, MONDO:0019019.
Bruck syndrome 2 (BRKS2). Also called: OSTEOGENESIS IMPERFECTA WITH CONGENITAL JOINT CONTRACTURES. Identifiers: Orphanet 2771, MedGen C1836602, MONDO:0012217, OMIM 609220.

Allele frequency attached by ClinVar (database versions not stated): gnomAD 0.00001; gnomAD exomes 0.00001.
gnomAD v4.1: 9 of 1,612,046 alleles (0.00056%); highest among the groups gnomAD compares: Non-Finnish European, 0.00076%; no homozygotes.

Submissions (3):

Women's Health and Genetics/Laboratory Corporation of America, LabCorp
Classification: Likely pathogenic for Osteogenesis imperfecta. Last evaluated: 2024-12-10. Review status: criteria provided, single submitter. Criteria: LabCorp Variant Classification Summary - May 2015. Collection method: clinical testing. Allele origin: germline.
Comment: Variant summary: PLOD2 c.1958C>G (p.Pro653Arg) results in a non-conservative amino acid change in the encoded protein sequence. Five of five in-silico tools predict a damaging effect of the variant on protein function. The variant allele was found at a frequency of 8e-06 in 250662 control chromosomes (gnomAD). c.1958C>G has been reported in the literature in multiple compound heterozygous individuals affected with Osteogenesis Imperfecta, who carried a pathogenic variant in trans (Gistelinck_2021). Authors of this study reported highly reduced hydroxylation of type I collagen telopeptide lysines in patient derived samples (Gistelinck_2021). The following publication have been ascertained in the context of this evaluation (PMID: 33778323). ClinVar contains an entry for this variant (Variation ID: 1705607). Based on the evidence outlined above, the variant was classified as likely pathogenic.

Labcorp Genetics (formerly Invitae), Labcorp
Classification: Pathogenic. Last evaluated: 2023-12-11. Review status: criteria provided, single submitter. Criteria: Invitae Variant Classification Sherloc (09022015). Collection method: clinical testing. Allele origin: germline.
Comment: This sequence change replaces proline, which is neutral and non-polar, with arginine, which is basic and polar, at codon 653 of the PLOD2 protein (p.Pro653Arg). This variant is present in population databases (no rsID available, gnomAD 0.002%). This missense change has been observed in individual(s) with Bruck syndrome (PMID: 33778323). In at least one individual the data is consistent with being in trans (on the opposite chromosome) from a pathogenic variant. It has also been observed to segregate with disease in related individuals. ClinVar contains an entry for this variant (Variation ID: 1705607). Advanced modeling of protein sequence and biophysical properties (such as structural, functional, and spatial information, amino acid conservation, physicochemical variation, residue mobility, and thermodynamic stability) performed at Invitae indicates that this missense variant is expected to disrupt PLOD2 protein function with a positive predictive value of 80%. For these reasons, this variant has been classified as Pathogenic.

3billion
Classification: Uncertain significance for Bruck syndrome 2. Last evaluated: 2022-09-01. Review status: criteria provided, single submitter. Criteria: ACMG Guidelines, 2015. Collection method: clinical testing. Allele origin: germline. Affected: yes. Observed: 1 homozygote.
Comment: The variant is observed at an extremely low frequency in the gnomAD v2.1.1 dataset (total allele frequency: 0.001%). In silico tool predictions suggest damaging effect of the variant on gene or gene product (REVEL: 0.83; 3Cnet: 0.90). Therefore, this variant is classified as uncertain significance according to the recommendation of ACMG/AMP guideline.

Literature cited by the submitters: PubMed 33778323 (cited by Women's Health and Genetics/Laboratory Corporation of America, LabCorp and Labcorp Genetics (formerly Invitae), Labcorp).